The following is an entry in ClinVar:

ClinVar aggregate classification (germline): Uncertain significance (1 of 4 stars; one submission).

Conditions:
Distal myopathy with posterior leg and anterior hand involvement. Also called: WILLIAMS DISTAL MYOPATHY. Identifiers: Orphanet 63273, MedGen C3279722, MONDO:0013550, OMIM 614065.
Hypertrophic cardiomyopathy 26. Also called: Cardiomyopathy, familial hypertrophic, 26. Identifiers: Orphanet 75249, MedGen C4310749, MONDO:0014883, OMIM 617047.
Myofibrillar myopathy 5. Also called: Filaminopathy (type); FILAMINOPATHY, AUTOSOMAL DOMINANT. Identifiers: Orphanet 171445, MedGen C1836050, MONDO:0012289, OMIM 609524.

Submission:

Labcorp Genetics (formerly Invitae), Labcorp
Classification: Uncertain significance for Distal myopathy with posterior leg and anterior hand involvement; Myofibrillar myopathy 5; Hypertrophic cardiomyopathy 26. Last evaluated: 2025-09-07. Review status: criteria provided, single submitter. Criteria: Invitae Variant Classification Sherloc (09022015). Collection method: clinical testing. Allele origin: germline.
Comment: This sequence change replaces aspartic acid, which is acidic and polar, with asparagine, which is neutral and polar, at codon 530 of the FLNC protein (p.Asp530Asn). This variant is not present in population databases (gnomAD no frequency). This variant has not been reported in the literature in individuals affected with FLNC-related conditions. ClinVar contains an entry for this variant (Variation ID: 3758539). Invitae Evidence Modeling of protein sequence and biophysical properties (such as structural, functional, and spatial information, amino acid conservation, physicochemical variation, residue mobility, and thermodynamic stability) has been performed for this missense variant. However, the output from this modeling did not meet the statistical confidence thresholds required to predict the impact of this variant on FLNC protein function. In summary, the available evidence is currently insufficient to determine the role of this variant in disease. Therefore, it has been classified as a Variant of Uncertain Significance.

NM_001458.5(FLNC):c.1588G>A (p.Asp530Asn)

Gene: FLNC (filamin C; plus strand). Cytogenetic location: 7q32.1.
Variant type: single nucleotide variant.
Coding change: c.1588G>A on transcript NM_001458.5 (MANE Select); coding-DNA position 1588, G replaced by A.
Protein change: p.Asp530Asn; replaces aspartic acid 530 with asparagine.
Molecular consequence: missense variant.
Genome position (GRCh38, 1-based): chr7:128,840,586, G>A. VCF-style: chr7-128840586-G-A. GRCh37 (hg19) VCF-style: chr7-128480640-G-A.
Other names: c.1588G>A, p.Asp530Asn (NM_001127487.2); short protein forms D530N.
Identifiers: ClinVar variation 3758539 (VCV003758539.2).